The following is an entry in ClinVar:

ClinVar aggregate classification (germline): Conflicting classifications of pathogenicity. Review status: criteria provided, conflicting classifications (1 of 4 stars). 4 submissions from 4 submitters: Likely pathogenic (1); Uncertain significance (3). Last evaluated 2025-08-18.

Conditions:
Gastrointestinal stromal tumor. Also called: Gastrointestinal stromal tumor, somatic; Gastrointestinal stroma tumor. Identifiers: Orphanet 44890, MedGen C0238198, MeSH D046152, MONDO:0011719, OMIM 606764, HP:0100723.
Pheochromocytoma/paraganglioma syndrome 4. Also called: CAROTID BODY TUMORS AND MULTIPLE EXTRAADRENAL PHEOCHROMOCYTOMAS; SDHB-Related Hereditary Paraganglioma-Pheochromocytoma Syndrome; Paragangliomas 4; SDHB-Related Hereditary Paraganglioma-Pheochromocytoma Syndrome (Paragangliomas 4); PARAGANGLIOMA, FAMILIAL MALIGNANT; PARAGANGLIOMAS, HEREDITARY EXTRAADRENAL. Identifiers: Orphanet 29072, MedGen C1861848, MONDO:0007273, OMIM 115310.
Pheochromocytoma. Also called: MAX-Related Hereditary Paraganglioma-Pheochromocytoma Syndrome. Identifiers: Orphanet 29072, MedGen C0031511, MONDO:0008233, OMIM 171300, HP:0002666.
Hereditary cancer-predisposing syndrome. Also called: Hereditary neoplastic syndrome; Neoplastic Syndromes, Hereditary; Hereditary Cancer Syndrome; Tumor predisposition. Identifiers: Orphanet 140162, MedGen C0027672, MeSH D009386, MONDO:0015356.
Hereditary pheochromocytoma and paraganglioma. Also called: Hereditary pheochromocytoma-paraganglioma; Hereditary Paraganglioma-Pheochromocytoma Syndromes; Hereditary paragangliomas and pheochromocytomas. Identifiers: Orphanet 29072, MedGen C4274332, MONDO:0017366.

gnomAD v4.1: 2 of 1,614,174 alleles (0.00012%); highest among the groups gnomAD compares: Non-Finnish European, 0.00017%; no homozygotes.

Submissions (4):

Labcorp Genetics (formerly Invitae), Labcorp
Classification: Uncertain significance for Gastrointestinal stromal tumor; Pheochromocytoma/paraganglioma syndrome 4; Pheochromocytoma. Last evaluated: 2025-08-18. Review status: criteria provided, single submitter. Criteria: Invitae Variant Classification Sherloc (09022015). Collection method: clinical testing. Allele origin: germline.
Comment: This sequence change replaces leucine, which is neutral and non-polar, with valine, which is neutral and non-polar, at codon 111 of the SDHB protein (p.Leu111Val). This variant is not present in population databases (gnomAD no frequency). This missense change has been observed in individual(s) with bilateral carotid body paragangliomas (PMID: 22109755). ClinVar contains an entry for this variant (Variation ID: 953855). Invitae Evidence Modeling of protein sequence and biophysical properties (such as structural, functional, and spatial information, amino acid conservation, physicochemical variation, residue mobility, and thermodynamic stability) indicates that this missense variant is not expected to disrupt SDHB protein function with a negative predictive value of 80%. In summary, the available evidence is currently insufficient to determine the role of this variant in disease. Therefore, it has been classified as a Variant of Uncertain Significance.

Ambry Genetics
Classification: Likely pathogenic for Hereditary cancer-predisposing syndrome. Last evaluated: 2025-02-10. Review status: criteria provided, single submitter. Criteria: Ambry Variant Classification Scheme 2023. Collection method: clinical testing. Allele origin: germline.
Comment: The p.L111V variant (also known as c.331C>G), located in coding exon 4 of the SDHB gene, results from a C to G substitution at nucleotide position 331. The leucine at codon 111 is replaced by valine, an amino acid with highly similar properties. Based on internal structural analysis, L111V disrupts the Fe2S2 binding pocket, which is sensitive to alteration (Zhou Q et al. Protein Cell, 2011 Jul;2:531-42; Inaoka DK et al. Int J Mol Sci, 2015 Jul;16:15287-308), as disruptions of the surrounding structure can change the electronic properties of the protein (Lima J et al. J Clin Endocrinol Metab, 2007 Dec;92:4853-64). This amino acid position is highly conserved in available vertebrate species. In addition, this alteration is predicted to be deleterious by in silico analysis. This variant was not reported in population-based cohorts in the Genome Aggregation Database (gnomAD). Based on the majority of available evidence to date, this variant is likely to be pathogenic.

All of Us Research Program, National Institutes of Health
Classification: Uncertain significance for Hereditary pheochromocytoma and paraganglioma. Last evaluated: 2023-10-02. Review status: criteria provided, single submitter. Criteria: ACMG Guidelines, 2015. Collection method: clinical testing. Allele origin: germline. Inheritance: Autosomal dominant inheritance. Observed: 1 variant allele, 1 heterozygote.
Comment: This missense variant replaces leucine with valine at codon 111 of the SDHB protein. Computational prediction suggests that this variant may have deleterious impact on protein structure and function (internally defined REVEL score threshold >= 0.7, PMID: 27666373). To our knowledge, functional studies have not been reported for this variant. This variant has been reported in individuals affected with head and neck paragangliomas (HNPGL; PMID: 22109755, 24436918). This variant has not been identified in the general population by the Genome Aggregation Database (gnomAD). The available evidence is insufficient to determine the role of this variant in disease conclusively. Therefore, this variant is classified as a Variant of Uncertain Significance.

This study involves interpretation of variants in research participants for the purpose of population health screening. Participant phenotype was not available at the time of variant classification. Additional details can be found in publication PMID: 35346344, PMCID: PMC8962531

Color Diagnostics, LLC DBA Color Health
Classification: Uncertain significance for Hereditary pheochromocytoma and paraganglioma. Last evaluated: 2023-09-08. Review status: criteria provided, single submitter. Criteria: ACMG Guidelines, 2015. Collection method: clinical testing. Allele origin: germline.
Comment: This missense variant replaces leucine with valine at codon 111 of the SDHB protein. Computational prediction suggests that this variant may have deleterious impact on protein structure and function. To our knowledge, functional studies have not been reported for this variant. This variant has been reported in individuals affected with head and neck paragangliomas (HNPGLPMID: 22109755, 24436918). This variant has not been identified in the general population by the Genome Aggregation Database (gnomAD). The available evidence is insufficient to determine the role of this variant in disease conclusively. Therefore, this variant is classified as a Variant of Uncertain Significance.

Literature cited by the submitters: PubMed 22109755 (cited by 3 submitters); PubMed 17848412 (cited by Ambry Genetics); PubMed 21822798 (cited by Ambry Genetics); PubMed 26198225 (cited by Ambry Genetics); PubMed 24436918 (cited by All of Us Research Program, National Institutes of Health).

NM_003000.3(SDHB):c.331C>G (p.Leu111Val)

Gene: SDHB (succinate dehydrogenase complex iron sulfur subunit B; minus strand). Cytogenetic location: 1p36.13.
Variant type: single nucleotide variant.
Coding change: c.331C>G on transcript NM_003000.3 (MANE Select); coding-DNA position 331, C replaced by G.
Protein change: p.Leu111Val; replaces leucine 111 with valine.
Molecular consequence: missense variant.
Genome position (GRCh38, 1-based): chr1:17,028,692, G>C on the plus strand (C>G on the coding strand, the complement: SDHB is on the minus strand). VCF-style: chr1-17028692-G-C. GRCh37 (hg19) VCF-style: chr1-17355187-G-C.
Other names: short protein forms L111V.
Identifiers: ClinVar variation 953855 (VCV000953855.11), dbSNP rs2078005090, ClinGen allele CA338274842.